The following is an entry in ClinVar:

NM_016729.3(FOLR1):c.17C>T (p.Thr6Ile)

Genes: FOLR1 (folate receptor alpha; plus strand), FOLR1-AS1 (FOLR1 antisense RNA 1; minus strand). Cytogenetic location: 11q13.4.
Variant type: single nucleotide variant.
Coding change: c.17C>T on transcript NM_016729.3 (MANE Select); coding-DNA position 17, C replaced by T.
Protein change: p.Thr6Ile; replaces threonine 6 with isoleucine.
Molecular consequence: missense variant.
Genome position (GRCh38, 1-based): chr11:72,192,190, C>T. VCF-style: chr11-72192190-C-T. GRCh37 (hg19) VCF-style: chr11-71903234-C-T.
Other names: c.17C>T, p.Thr6Ile (NM_000802.3, NM_016724.3, NM_016725.3); short protein forms T6I.
Identifiers: ClinVar variation 942122 (VCV000942122.7), dbSNP rs1159477597, ClinGen allele CA381728830.
Genomic context (GRCh38, chr11:72,192,190, plus strand): 5'-ATTCCTTGGTGCCACTGACCACAGCTCTTTCTTCAGGGACAGACATGGCTCAGCGGATGA[C>T]AACACAGCTGCTGCTCCTTCTAGTGTGGGTGGCTGTAGTAGGGGAGGCTCAGACAAGGAT-3'
Protein context (NP_057941.1, residues 1-16): MAQRM[Thr6Ile]TQLLLLLVWV

ClinVar aggregate classification (germline): Uncertain significance (1 of 4 stars; one submission).

Conditions:
Cerebral folate transport deficiency. Also called: Cerebral folate deficiency syndrome; Neurodegenerative syndrome due to cerebral folate transport deficiency; FOLATE RECEPTOR DEFICIENCY; NEURODEGENERATION DUE TO CEREBRAL FOLATE TRANSPORT DEFICIENCY; FOLR1-Related Cerebral Folate Transport Deficiency. Identifiers: Orphanet 217382, MedGen C2751584, MONDO:0013110, OMIM 613068. Disease mechanism: loss of function.

Allele frequency attached by ClinVar (database versions not stated): gnomAD exomes below 0.00001 and 0.00001; TOPMed 0.00001.
gnomAD v4.1: 21 of 1,614,186 alleles (0.0013%); highest among the groups gnomAD compares: Non-Finnish European, 0.0016%; no homozygotes.

Submission:

Labcorp Genetics (formerly Invitae), Labcorp
Classification: Uncertain significance for Cerebral folate transport deficiency. Last evaluated: 2021-08-24. Review status: criteria provided, single submitter. Criteria: Invitae Variant Classification Sherloc (09022015). Collection method: clinical testing. Allele origin: germline.
Comment: This sequence change replaces threonine with isoleucine at codon 6 of the FOLR1 protein (p.Thr6Ile). The threonine residue is moderately conserved and there is a moderate physicochemical difference between threonine and isoleucine. This variant is not present in population databases (ExAC no frequency). This variant has not been reported in the literature in individuals affected with FOLR1-related conditions. Algorithms developed to predict the effect of missense changes on protein structure and function output the following: SIFT: "Tolerated"; PolyPhen-2: "Possibly Damaging"; Align-GVGD: "Class C0". The isoleucine amino acid residue is found in multiple mammalian species, which suggests that this missense change does not adversely affect protein function. In summary, the available evidence is currently insufficient to determine the role of this variant in disease. Therefore, it has been classified as a Variant of Uncertain Significance.